The following is an entry in ClinVar:

NM_005359.6(SMAD4):c.480T>C (p.Asp160=)

Gene: SMAD4 (SMAD family member 4; plus strand). Cytogenetic location: 18q21.2.
Variant type: single nucleotide variant.
Coding change: c.480T>C on transcript NM_005359.6 (MANE Select); coding-DNA position 480, T replaced by C.
Protein change: p.Asp160=; no amino-acid change (aspartic acid 160 retained).
Molecular consequence: synonymous variant.
Genome position (GRCh38, 1-based): chr18:51,054,806, T>C. VCF-style: chr18-51054806-T-C. GRCh37 (hg19) VCF-style: chr18-48581176-T-C.
Identifiers: ClinVar variation 926489 (VCV000926489.6), dbSNP rs1599186813, ClinGen allele CA503873680.
Genomic context (GRCh38, chr18:51,054,806, plus strand): 5'-ATAAAAATTTAAAATATGTTTAATTTTCTATATAGCTCCATCAAGTATGATGGTGAAGGA[T>C]GAATATGTGCATGACTTTGAGGGACAGCCATCGTTGTCCACTGAAGGACATTCAATTCAA-3'
Protein context (NP_005350.1, residues 150-170): SNAPSSMMVK[Asp160=]EYVHDFEGQP

ClinVar aggregate classification (germline): Benign/Likely benign. Review status: criteria provided, multiple submitters, no conflicts (2 of 4 stars). 3 submissions from 3 submitters: Benign (1); Likely benign (2). Last evaluated 2025-08-24.

Conditions:
Juvenile polyposis syndrome (JPS). Identifiers: Orphanet 2929, MedGen C0345893, MONDO:0017380, OMIM 174900.
Hereditary cancer-predisposing syndrome. Also called: Neoplastic Syndromes, Hereditary; Hereditary neoplastic syndrome; Tumor predisposition; Hereditary Cancer Syndrome. Identifiers: Orphanet 140162, MedGen C0027672, MeSH D009386, MONDO:0015356.
Juvenile polyposis/hereditary hemorrhagic telangiectasia syndrome (JPHT). Also called: POLYPOSIS, GENERALIZED JUVENILE, WITH PULMONARY ARTERIOVENOUS MALFORMATION; TELANGIECTASIA, HEREDITARY HEMORRHAGIC, WITH JUVENILE POLYPOSIS COLI; Juvenile Polyposis Syndrome / Hereditary Hemorrhagic Telangiectasia (JPS/HHT); JP/HHT SYNDROME; JUVENILE POLYPOSIS WITH HEREDITARY HEMORRHAGIC TELANGIECTASIA. Identifiers: Orphanet 2929, MedGen C1832942, MONDO:0008278, OMIM 175050.

Allele frequency attached by ClinVar (database versions not stated): gnomAD exomes below 0.00001.
gnomAD v4.1: 2 of 1,613,400 alleles (0.00012%); highest among the groups gnomAD compares: Non-Finnish European, 0.00017%; no homozygotes.

Submissions (3):

Labcorp Genetics (formerly Invitae), Labcorp
Classification: Likely benign for Juvenile polyposis syndrome. Last evaluated: 2025-08-24. Review status: criteria provided, single submitter. Criteria: Invitae Variant Classification Sherloc (09022015). Collection method: clinical testing. Allele origin: germline.

Myriad Genetics, Inc.
Classification: Benign for Juvenile polyposis/hereditary hemorrhagic telangiectasia syndrome. Last evaluated: 2025-03-19. Review status: criteria provided, single submitter. Criteria: Myriad Autosomal Dominant, Autosomal Recessive and X-Linked Classification Criteria (2023). Collection method: clinical testing. Allele origin: unknown.
Comment: This variant is considered benign. This variant is a silent/synonymous amino acid change and it is not expected to impact splicing.

Color Diagnostics, LLC DBA Color Health
Classification: Likely benign for Hereditary cancer-predisposing syndrome. Last evaluated: 2020-01-27. Review status: criteria provided, single submitter. Criteria: ACMG Guidelines, 2015. Collection method: clinical testing. Allele origin: germline.